The following is an entry in ClinVar:

NM_001193315.2(VIPAS39):c.484C>T (p.Arg162Ter)

Gene: VIPAS39 (VPS33B interacting protein, apical-basolateral polarity regulator, spe-39 homolog; minus strand). Cytogenetic location: 14q24.3.
Variant type: single nucleotide variant.
Coding change: c.484C>T on transcript NM_001193315.2 (MANE Select); coding-DNA position 484, C replaced by T.
Protein change: p.Arg162Ter; replaces arginine 162 with a stop codon.
Molecular consequence: nonsense.
Genome position (GRCh38, 1-based): chr14:77,448,514, G>A on the plus strand (C>T on the coding strand, the complement: VIPAS39 is on the minus strand). VCF-style: chr14-77448514-G-A. GRCh37 (hg19) VCF-style: chr14-77914857-G-A.
Other names: c.484C>T, p.Arg162Ter (NM_001193314.2, NM_001193317.2, NM_022067.4); c.337C>T, p.Arg113Ter (NM_001193316.2); c.484C>T (NM_022067.3); short protein forms R113*, R162*.
Identifiers: ClinVar variation 1075753 (VCV001075753.11), dbSNP rs200779594, ClinGen allele CA7288082.

ClinVar aggregate classification (germline): Pathogenic. Review status: criteria provided, multiple submitters, no conflicts (2 of 4 stars). 3 submissions from 3 submitters: Pathogenic (3). Last evaluated 2026-08-19.

Conditions:
Arthrogryposis, renal dysfunction, and cholestasis 2 (ARCS2). Identifiers: Orphanet 2697, MedGen C3150672, MONDO:0013255, OMIM 613404.

Allele frequency attached by ClinVar (database versions not stated): TOPMed 0.00002.

Submissions (3):

Molecular Genetics Laboratory, CHU Lille
Classification: Pathogenic for Arthrogryposis, renal dysfunction, and cholestasis 2. Last evaluated: 2026-08-19. Review status: criteria provided, single submitter. Criteria: ACMG Guidelines, 2015. Collection method: clinical testing. Allele origin: germline. Affected: yes.
Comment: It has been observed in individuals with arthrogryposis, renal dysfunction, and cholestasis syndrome and is classified as pathogenic according to the recommendations of the ACMG/AMP guidelines.

Fulgent Genetics
Classification: Pathogenic for Arthrogryposis, renal dysfunction, and cholestasis 2. Last evaluated: 2024-03-07. Review status: criteria provided, single submitter. Criteria: ACMG Guidelines, 2015. Collection method: clinical testing. Allele origin: germline.

Labcorp Genetics (formerly Invitae), Labcorp
Classification: Pathogenic. Last evaluated: 2023-11-19. Review status: criteria provided, single submitter. Criteria: Invitae Variant Classification Sherloc (09022015). Collection method: clinical testing. Allele origin: germline.
Comment: This sequence change creates a premature translational stop signal (p.Arg162*) in the VIPAS39 gene. It is expected to result in an absent or disrupted protein product. Loss-of-function variants in VIPAS39 are known to be pathogenic (PMID: 20190753, 22753090). This variant is present in population databases (rs200779594, gnomAD 0.005%). This premature translational stop signal has been observed in individual(s) with arthrogryposis, renal dysfunction, and cholestasis syndrome (PMID: 22753090, 23002115, 26019847, 26808426). ClinVar contains an entry for this variant (Variation ID: 1075753). For these reasons, this variant has been classified as Pathogenic.

Literature cited by the submitters: PubMed 20190753 (cited by Labcorp Genetics (formerly Invitae), Labcorp); PubMed 22753090 (cited by Labcorp Genetics (formerly Invitae), Labcorp); PubMed 23002115 (cited by Labcorp Genetics (formerly Invitae), Labcorp); PubMed 26019847 (cited by Labcorp Genetics (formerly Invitae), Labcorp); PubMed 26808426 (cited by Labcorp Genetics (formerly Invitae), Labcorp).